The following is an entry in ClinVar:

ClinVar aggregate classification (germline): Uncertain significance. Review status: criteria provided, multiple submitters, no conflicts (2 of 4 stars). 8 submissions from 8 submitters: Uncertain significance (7). 1 of the submissions does not count toward it. Last evaluated 2025-07-01.

Conditions:
SYNE1-related disorder. Also called: SYNE1-related disorders; SYNE1-related disease; SYNE1-related condition.
Autosomal recessive ataxia, Beauce type. Also called: ATAXIA, RECESSIVE, OF BEAUCE; Spinocerebellar ataxia, autosomal recessive 8; SYNE1-Related Autosomal Recessive Cerebellar Ataxia; SYNE1 Deficiency. Identifiers: Orphanet 88644, MedGen C1853116, MONDO:0012549, OMIM 610743.
Emery-Dreifuss muscular dystrophy 4, autosomal dominant (EDMD4). Also called: EMERY-DREIFUSS MUSCULAR DYSTROPHY 4 WITH VARIABLE FEATURES. Identifiers: Orphanet 261, MedGen C2751807, MONDO:0013071, OMIM 612998.

Allele frequency attached by ClinVar (database versions not stated): TOPMed 0.00005.
gnomAD v4.1: 196 of 1,614,014 alleles (0.012%); highest among the groups gnomAD compares: Non-Finnish European, 0.016%; no homozygotes.

Submissions (8):

CeGaT Center for Human Genetics Tuebingen
Classification: Uncertain significance. Last evaluated: 2025-07-01. Review status: criteria provided, single submitter. Criteria: CeGaT Center For Human Genetics Tuebingen Variant Classification Criteria Version 2. Collection method: clinical testing. Allele origin: germline. Affected: yes. Observed: 1 variant allele.
Comment: SYNE1: PM2

Blueprint Genetics
Classification: Uncertain significance. Last evaluated: 2024-05-17. Review status: criteria provided, single submitter. Criteria: ACMG Guidelines, 2015. Collection method: clinical testing. Allele origin: germline.

Revvity Omics, Revvity
Classification: Uncertain significance. Last evaluated: 2024-04-29. Review status: criteria provided, single submitter. Criteria: ACMG Guidelines, 2015. Collection method: clinical testing. Allele origin: germline.

Labcorp Genetics (formerly Invitae), Labcorp
Classification: Uncertain significance for Emery-Dreifuss muscular dystrophy 4, autosomal dominant; Autosomal recessive ataxia, Beauce type. Last evaluated: 2024-01-31. Review status: criteria provided, single submitter. Criteria: Invitae Variant Classification Sherloc (09022015). Collection method: clinical testing. Allele origin: germline.
Comment: This sequence change replaces arginine, which is basic and polar, with leucine, which is neutral and non-polar, at codon 5809 of the SYNE1 protein (p.Arg5809Leu). This variant is present in population databases (rs767844376, gnomAD 0.02%). This variant has not been reported in the literature in individuals affected with SYNE1-related conditions. ClinVar contains an entry for this variant (Variation ID: 281233). An algorithm developed to predict the effect of missense changes on protein structure and function (PolyPhen-2) suggests that this variant is likely to be disruptive. Algorithms developed to predict the effect of sequence changes on RNA splicing suggest that this variant may disrupt the consensus splice site. In summary, the available evidence is currently insufficient to determine the role of this variant in disease. Therefore, it has been classified as a Variant of Uncertain Significance.

GeneDx
Classification: Uncertain significance. Last evaluated: 2022-11-16. Review status: criteria provided, single submitter. Criteria: GeneDx Variant Classification Process June 2021. Collection method: clinical testing. Allele origin: germline. Affected: yes.
Comment: In silico analysis supports that this missense variant has a deleterious effect on protein structure/function; Has not been previously published as pathogenic or benign to our knowledge

Mayo Clinic Laboratories, Mayo Clinic
Classification: Uncertain significance. Last evaluated: 2021-04-13. Review status: criteria provided, single submitter. Criteria: ACMG Guidelines, 2015. Collection method: clinical testing. Allele origin: germline.

Eurofins Ntd Llc (ga)
Classification: Uncertain significance. Last evaluated: 2016-12-27. Review status: criteria provided, single submitter. Criteria: EGL Classification Definitions 2015. Collection method: clinical testing. Allele origin: germline. Observed: 2 variant alleles, 2 heterozygotes.

PreventionGenetics, part of Exact Sciences
Classification: Uncertain significance for SYNE1-related condition. Last evaluated: 2024-03-18. Review status: no assertion criteria provided. Collection method: clinical testing. Allele origin: germline. Not counted in ClinVar's aggregate classification.
Comment: The SYNE1 c.17426G>T variant is predicted to result in the amino acid substitution p.Arg5809Leu. To our knowledge, this variant has not been reported in the literature. This variant is reported in 0.024% of alleles in individuals of European (Non-Finnish) descent in gnomAD. At this time, the clinical significance of this variant is uncertain due to the absence of conclusive functional and genetic evidence.

NM_182961.4(SYNE1):c.17639G>T (p.Arg5880Leu)

Gene: SYNE1 (spectrin repeat containing nuclear envelope protein 1; minus strand). Cytogenetic location: 6q25.2.
Variant type: single nucleotide variant.
Coding change: c.17639G>T on transcript NM_182961.4 (MANE Select); coding-DNA position 17639, G replaced by T.
Protein change: p.Arg5880Leu; replaces arginine 5880 with leucine.
Molecular consequence: missense variant.
Genome position (GRCh38, 1-based): chr6:152,300,684, C>A on the plus strand (G>T on the coding strand, the complement: SYNE1 is on the minus strand). VCF-style: chr6-152300684-C-A. GRCh37 (hg19) VCF-style: chr6-152621819-C-A.
Other names: p.Arg5809Leu; c.17426G>T, p.Arg5809Leu (NM_033071.5); short protein forms R5809L, R5880L.
Identifiers: ClinVar variation 281233 (VCV000281233.29), dbSNP rs767844376, ClinGen allele CA4055174.
Genomic context (GRCh38, chr6:152,300,684, plus strand): 5'-TGCCAACTGGGAGGTACCTGGTTAACAGAAGCATCTGTATTAGCCACAGGTGAAGGGGAG[C>A]GACAGGCAGGTGGAGAGGAAATCTCACTGTTGGTTCCCTCCTCCCCAGACTCCTCAGTGA-3'
Protein context (NP_892006.3, residues 5870-5890): NSEISSPPAC[Arg5880Leu]SPSPVANTDA